The following is an entry in ClinVar:

NM_000166.6(GJB1):c.548G>C (p.Arg183Pro)

Gene: GJB1 (gap junction protein beta 1; plus strand). Cytogenetic location: Xq13.1.
Variant type: single nucleotide variant.
Coding change: c.548G>C on transcript NM_000166.6 (MANE Select); coding-DNA position 548, G replaced by C.
Protein change: p.Arg183Pro; replaces arginine 183 with proline.
Molecular consequence: missense variant.
Genome position (GRCh38, 1-based): chrX:71,224,255, G>C. VCF-style: chrX-71224255-G-C. GRCh37 (hg19) VCF-style: chrX-70444105-G-C.
Other names: c.548G>C, p.Arg183Pro (NM_001097642.3); short protein forms R183P.
Identifiers: ClinVar variation 637630 (VCV000637630.3), dbSNP rs1555937233, ClinGen allele CA413503117.
Genomic context (GRCh38, chrX:71,224,255, plus strand): 5'-TGCGGCTGGTCAAGTGCGACGTCTACCCCTGCCCCAACACAGTGGACTGCTTCGTGTCCC[G>C]CCCCACCGAGAAAACCGTCTTCACCGTCTTCATGCTAGCTGCCTCTGGCATCTGCATCAT-3'
Protein context (NP_000157.1, residues 173-193): CPNTVDCFVS[Arg183Pro]PTEKTVFTVF

ClinVar aggregate classification (germline): Likely pathogenic. Review status: criteria provided, single submitter (1 of 4 stars). 2 submissions from 2 submitters: Likely pathogenic (1). 1 of the submissions does not count toward it. Last evaluated 2021-11-26.

Conditions:
Charcot-Marie-Tooth disease X-linked dominant 1. Also called: Charcot-Marie-Tooth Neuropathy X Type 1; X-linked Charcot-Marie-Tooth disease type 1; GJB1 Disorders: Charcot-Marie-Tooth Neuropathy (CMT1X) and Central Nervous System Phenotypes; CHARCOT-MARIE-TOOTH NEUROPATHY, X-LINKED, 1; CHARCOT-MARIE-TOOTH PERONEAL MUSCULAR ATROPHY, X-LINKED; HEREDITARY MOTOR AND SENSORY NEUROPATHY, X-LINKED. Identifiers: Orphanet 101075, MedGen C0393808, MONDO:0010549, OMIM 302800.
Charcot-Marie-Tooth disease. Also called: Charcot-Marie-Tooth Hereditary Neuropathy; Charcot-Marie-Tooth Neuropathy. Identifiers: Orphanet 166, MedGen C0007959, MONDO:0015626.

Submissions (2):

MGZ Medical Genetics Center
Classification: Likely pathogenic for Charcot-Marie-Tooth disease X-linked dominant 1. Last evaluated: 2021-11-26. Review status: criteria provided, single submitter. Criteria: ACMG Guidelines, 2015. Collection method: clinical testing. Allele origin: germline. Affected: yes. Observed: 1 variant allele.
Comment: ACMG criteria applied: PM1, PM5, PM2_SUP, PP2, PP3

Inherited Neuropathy Consortium
Classification: Uncertain significance for Charcot-Marie-Tooth disease. Review status: no assertion criteria provided. Collection method: literature only. Allele origin: germline. Affected: yes. Not counted in ClinVar's aggregate classification.

Literature cited by the submitters: PubMed 18379723 (cited by Inherited Neuropathy Consortium).